The following is an entry in ClinVar:

NM_001122659.3(EDNRB):c.602G>C (p.Arg201Pro)

Genes: EDNRB (endothelin receptor type B; minus strand), EDNRB-AS1 (EDNRB antisense RNA 1; plus strand). Cytogenetic location: 13q22.3.
Variant type: single nucleotide variant.
Coding change: c.602G>C on transcript NM_001122659.3 (MANE Select); coding-DNA position 602, G replaced by C.
Protein change: p.Arg201Pro; replaces arginine 201 with proline.
Molecular consequence: missense variant.
Genome position (GRCh38, 1-based): chr13:77,903,355, C>G on the plus strand (G>C on the coding strand, the complement: EDNRB is on the minus strand). VCF-style: chr13-77903355-C-G. GRCh37 (hg19) VCF-style: chr13-78477490-C-G.
Other names: c.602G>C, p.Arg201Pro (NM_000115.5, NM_003991.4); c.872G>C, p.Arg291Pro (NM_001201397.2); c.602G>C (NM_000115.4); short protein forms R291P, R201P.
Identifiers: ClinVar variation 871880 (VCV000871880.45), dbSNP rs780841273, ClinGen allele CA7012295.

ClinVar aggregate classification (germline): Uncertain significance. Review status: criteria provided, multiple submitters, no conflicts (2 of 4 stars). 3 submissions from 3 submitters: Uncertain significance (3). Last evaluated 2025-10-27.

Conditions:
EDNRB-related disorder. Also called: EDNRB-related condition; EDNRB-related disorders.

Submissions (3):

PreventionGenetics, part of Exact Sciences
Classification: Uncertain significance for EDNRB-related condition. Last evaluated: 2025-10-27. Review status: criteria provided, single submitter. Criteria: ACMG Guidelines, 2015. Collection method: clinical testing. Allele origin: germline.
Comment: The EDNRB c.602G>C variant is predicted to result in the amino acid substitution p.Arg201Pro. To our knowledge, this variant has not been reported in the literature. This variant is reported in 0.00089% of alleles in individuals of European (Non-Finnish) descent in gnomAD. At this time, the clinical significance of this variant is uncertain due to the absence of conclusive functional and genetic evidence.

Labcorp Genetics (formerly Invitae), Labcorp
Classification: Uncertain significance. Last evaluated: 2023-07-03. Review status: criteria provided, single submitter. Criteria: Invitae Variant Classification Sherloc (09022015). Collection method: clinical testing. Allele origin: germline.
Comment: In summary, the available evidence is currently insufficient to determine the role of this variant in disease. Therefore, it has been classified as a Variant of Uncertain Significance. Advanced modeling of protein sequence and biophysical properties (such as structural, functional, and spatial information, amino acid conservation, physicochemical variation, residue mobility, and thermodynamic stability) performed at Invitae indicates that this missense variant is expected to disrupt EDNRB protein function. ClinVar contains an entry for this variant (Variation ID: 871880). This variant has not been reported in the literature in individuals affected with EDNRB-related conditions. This variant is present in population databases (rs780841273, gnomAD 0.0009%). This sequence change replaces arginine, which is basic and polar, with proline, which is neutral and non-polar, at codon 201 of the EDNRB protein (p.Arg201Pro).

CeGaT Center for Human Genetics Tuebingen
Classification: Uncertain significance. Last evaluated: 2019-09-01. Review status: criteria provided, single submitter. Criteria: CeGaT Center For Human Genetics Tuebingen Variant Classification Criteria Version 2. Collection method: clinical testing. Allele origin: germline. Affected: yes. Observed: 1 variant allele.